The following is an entry in ClinVar:

NM_032199.3(ARID5B):c.2562C>A (p.Ser854=)

Gene: ARID5B (AT-rich interaction domain 5B; plus strand). Cytogenetic location: 10q21.2.
Variant type: single nucleotide variant.
Coding change: c.2562C>A on transcript NM_032199.3 (MANE Select); coding-DNA position 2562, C replaced by A.
Protein change: p.Ser854=; no amino-acid change (serine 854 retained).
Molecular consequence: synonymous variant.
Genome position (GRCh38, 1-based): chr10:62,092,025, C>A. VCF-style: chr10-62092025-C-A. GRCh37 (hg19) VCF-style: chr10-63851784-C-A.
Other names: c.1833C>A, p.Ser611= (NM_001244638.2).
Identifiers: ClinVar variation 3036405 (VCV003036405.2), dbSNP rs145088760, ClinGen allele CA5515504.

ClinVar aggregate classification (germline): Likely benign (0 of 4 stars; one submission).

Conditions:
ARID5B-related disorder. Also called: ARID5B-related condition.

Allele frequency attached by ClinVar (database versions not stated): ExAC 0.00003; gnomAD 0.00008; TOPMed 0.00009; gnomAD exomes 0.00014; ESP Exome Variant Server 0.00015.
gnomAD v4.1: 219 of 1,614,032 alleles (0.014%); highest among the groups gnomAD compares: Non-Finnish European, 0.018%; no homozygotes.

Submission:

PreventionGenetics, part of Exact Sciences
Classification: Likely benign for ARID5B-related condition. Last evaluated: 2020-05-20. Review status: no assertion criteria provided. Collection method: clinical testing. Allele origin: germline.
Comment: This variant is classified as likely benign based on ACMG/AMP sequence variant interpretation guidelines (Richards et al. 2015 PMID: 25741868, with internal and published modifications).